The following is an entry in ClinVar:

NM_020361.5(CPA6):c.1199G>A (p.Arg400His)

Genes: ARFGEF1-DT (ARFGEF1 divergent transcript; plus strand), CPA6 (carboxypeptidase A6; minus strand). Cytogenetic location: 8q13.2.
Variant type: single nucleotide variant.
Coding change: c.1199G>A on transcript NM_020361.5 (MANE Select); coding-DNA position 1199, G replaced by A.
Protein change: p.Arg400His; replaces arginine 400 with histidine.
Molecular consequence: missense variant.
Genome position (GRCh38, 1-based): chr8:67,422,619, C>T on the plus strand (G>A on the coding strand, the complement: CPA6 is on the minus strand). VCF-style: chr8-67422619-C-T. GRCh37 (hg19) VCF-style: chr8-68334854-C-T.
Other names: short protein forms R400H.
Identifiers: ClinVar variation 539976 (VCV000539976.10), dbSNP rs746177954, ClinGen allele CA4772662.
Genomic context (GRCh38, chr8:67,422,619, plus strand): 5'-TCTGTACAGGTGGGTTTGATGAGCATCTCTGGGAGTAAAAATCCAAAATATCCAGTGTCA[C>T]GTAGTTCGAAAGCAAATGCATAAGGTATTCCATTTTTGTAGGCCCAATCCATTGAGCTAC-3'
Protein context (NP_065094.3, residues 390-410): GIPYAFAFEL[Arg400His]DTGYFGFLLP

ClinVar aggregate classification (germline): Uncertain significance. Review status: criteria provided, multiple submitters, no conflicts (2 of 4 stars). 2 submissions from 2 submitters: Uncertain significance (2). Last evaluated 2024-01-29.

Conditions:
Febrile seizures, familial, 11 (FEB11). Also called: CONVULSIONS, FAMILIAL FEBRILE, 11. Identifiers: MedGen C3280734, MONDO:0024566, OMIM 614418.

Allele frequency attached by ClinVar (database versions not stated): ExAC 0.00002; gnomAD exomes 0.00002 and 0.00004; TOPMed 0.00002; gnomAD 0.00003.
gnomAD v4.1: 53 of 1,613,698 alleles (0.0033%); highest among the groups gnomAD compares: East Asian, 0.0045%; no homozygotes.

Submissions (2):

Labcorp Genetics (formerly Invitae), Labcorp
Classification: Uncertain significance for Febrile seizures, familial, 11. Last evaluated: 2024-01-29. Review status: criteria provided, single submitter. Criteria: Invitae Variant Classification Sherloc (09022015). Collection method: clinical testing. Allele origin: germline.
Comment: This sequence change replaces arginine, which is basic and polar, with histidine, which is basic and polar, at codon 400 of the CPA6 protein (p.Arg400His). This variant is present in population databases (rs746177954, gnomAD 0.01%). This missense change has been observed in individual(s) with focal epilepsy (PMID: 27781031). In at least one individual the variant was observed to be de novo. ClinVar contains an entry for this variant (Variation ID: 539976). Advanced modeling of protein sequence and biophysical properties (such as structural, functional, and spatial information, amino acid conservation, physicochemical variation, residue mobility, and thermodynamic stability) performed at Invitae indicates that this missense variant is expected to disrupt CPA6 protein function with a positive predictive value of 80%. In summary, the available evidence is currently insufficient to determine the role of this variant in disease. Therefore, it has been classified as a Variant of Uncertain Significance.

Centre of Medical Genetics, University Hospital Muenster
Classification: Uncertain significance. Last evaluated: 2021-12-08. Review status: criteria provided, single submitter. Criteria: ACMG Guidelines, 2015. Collection method: clinical testing. Allele origin: unknown. Affected: yes. Observed: 1 variant allele, 1 heterozygote.
Comment: ACMG categories: PM2,PP3

Literature cited by the submitters: PubMed 27781031 (cited by Labcorp Genetics (formerly Invitae), Labcorp).